The following is an entry in ClinVar:

ClinVar aggregate classification (germline): Uncertain significance. Review status: criteria provided, multiple submitters, no conflicts (2 of 4 stars). 3 submissions from 3 submitters: Uncertain significance (3). Last evaluated 2025-07-08.

Conditions:
Inborn genetic diseases. Identifiers: MedGen C0950123, MeSH D030342.
Parkinsonism-dystonia, infantile. Identifiers: Orphanet 238455, MedGen C2751067, MONDO:0013150.

Allele frequency attached by ClinVar (database versions not stated): gnomAD 0.00001; ExAC 0.00002; gnomAD exomes 0.00002 and 0.00004.
gnomAD v4.1: 23 of 1,614,118 alleles (0.0014%); highest among the groups gnomAD compares: Admixed American, 0.025%; no homozygotes.

Submissions (3):

Ambry Genetics
Classification: Uncertain significance for Inborn genetic diseases. Last evaluated: 2025-07-08. Review status: criteria provided, single submitter. Criteria: Ambry Variant Classification Scheme 2023. Collection method: clinical testing. Allele origin: germline.

Labcorp Genetics (formerly Invitae), Labcorp
Classification: Uncertain significance for Parkinsonism-dystonia, infantile. Last evaluated: 2021-08-13. Review status: criteria provided, single submitter. Criteria: Invitae Variant Classification Sherloc (09022015). Collection method: clinical testing. Allele origin: germline.
Comment: This sequence change replaces serine with arginine at codon 198 of the SLC6A3 protein (p.Ser198Arg). The serine residue is highly conserved and there is a moderate physicochemical difference between serine and arginine. This variant is present in population databases (rs780048733, ExAC 0.03%). This variant has not been reported in the literature in individuals affected with SLC6A3-related conditions. Algorithms developed to predict the effect of missense changes on protein structure and function (SIFT, PolyPhen-2, Align-GVGD) all suggest that this variant is likely to be disruptive. In summary, the available evidence is currently insufficient to determine the role of this variant in disease. Therefore, it has been classified as a Variant of Uncertain Significance.

Breakthrough Genomics
Classification: Uncertain significance. Review status: criteria provided, single submitter. Criteria: ACMG Guidelines, 2015. Collection method: not provided. Allele origin: germline. Inheritance: Autosomal recessive inheritance. Affected: yes.

NM_001044.5(SLC6A3):c.594T>G (p.Ser198Arg)

Gene: SLC6A3 (solute carrier family 6 member 3). Cytogenetic location: 5p15.33.
Variant type: single nucleotide variant.
Coding change: c.594T>G on transcript NM_001044.5 (MANE Select); coding-DNA position 594, T replaced by G.
Protein change: p.Ser198Arg; replaces serine 198 with arginine.
Molecular consequence: missense variant.
Genome position (GRCh38, 1-based): chr5:1,432,523, A>C on the plus strand (T>G on the coding strand, the complement: SLC6A3 is on the minus strand). VCF-style: chr5-1432523-A-C. GRCh37 (hg19) VCF-style: chr5-1432638-A-C.
Other names: c.594T>G (NM_001044.4); short protein forms S198R.
Identifiers: ClinVar variation 1353785 (VCV001353785.8), dbSNP rs780048733, ClinGen allele CA3186337.
Genomic context (GRCh38, chr5:1,432,523, plus strand): 5'-CTCAAAGTACTCGGCAGCAGGTGTGGTCCCAAAAGTGTCGTTGAGGCCCGAGCTGTCTCC[A>C]CTGGAGTCACCAGGATGGGCATCCGAGCAGTTGGGGCTGTTCCAGGAGTTGTTGCAGTGG-3'
Protein context (NP_001035.1, residues 188-208): NCSDAHPGDS[Ser198Arg]GDSSGLNDTF